The following is an entry in ClinVar:

ClinVar aggregate classification (germline): Likely benign. Review status: criteria provided, single submitter (1 of 4 stars). 2 submissions from 2 submitters: Likely benign (1). 1 of the submissions does not count toward it. Last evaluated 2026-01-24.

Conditions:
RIPK1-related disorder. Also called: RIPK1-related condition.

Allele frequency attached by ClinVar (database versions not stated): gnomAD exomes below 0.00001.
gnomAD v4.1: 4 of 1,578,162 alleles (0.00025%); highest among the groups gnomAD compares: Non-Finnish European, 0.00035%; no homozygotes.

Submissions (2):

Labcorp Genetics (formerly Invitae), Labcorp
Classification: Likely benign. Last evaluated: 2026-01-24. Review status: criteria provided, single submitter. Criteria: Invitae Variant Classification Sherloc (09022015). Collection method: clinical testing. Allele origin: germline.

PreventionGenetics, part of Exact Sciences
Classification: Likely benign for RIPK1-related condition. Last evaluated: 2023-08-18. Review status: no assertion criteria provided. Collection method: clinical testing. Allele origin: germline. Not counted in ClinVar's aggregate classification.
Comment: This variant is classified as likely benign based on ACMG/AMP sequence variant interpretation guidelines (Richards et al. 2015 PMID: 25741868, with internal and published modifications).

NM_001354930.2(RIPK1):c.1576+7G>C

Gene: RIPK1 (receptor interacting serine/threonine kinase 1; plus strand). Cytogenetic location: 6p25.2.
Variant type: single nucleotide variant.
Coding change: c.1576+7G>C on transcript NM_001354930.2 (MANE Select); 7 bases into the intron after coding-DNA position 1576, G replaced by C.
Molecular consequence: intron variant.
Genome position (GRCh38, 1-based): chr6:3,106,058, G>C. VCF-style: chr6-3106058-G-C. GRCh37 (hg19) VCF-style: chr6-3106292-G-C.
Other names: c.1576+7G>C (NM_003804.4, NM_003804.6); c.1087+7G>C (NM_001317061.3, NM_001354932.2, NM_001354934.2 and 1 more transcripts); c.1438+7G>C (NM_001354931.2).
Identifiers: ClinVar variation 2704839 (VCV002704839.5), dbSNP rs2533348665, ClinGen allele CA2578517842.